The following is an entry in ClinVar:

NM_003742.4(ABCB11):c.2449-1G>A

Gene: ABCB11 (ATP binding cassette subfamily B member 11; minus strand). Cytogenetic location: 2q31.1.
Variant type: single nucleotide variant.
Coding change: c.2449-1G>A on transcript NM_003742.4 (MANE Select); the canonical splice acceptor site of the intron before coding-DNA position 2449, G replaced by A.
Molecular consequence: splice acceptor variant.
Genome position (GRCh38, 1-based): chr2:168,944,767, C>T on the plus strand (G>A on the coding strand, the complement: ABCB11 is on the minus strand). VCF-style: chr2-168944767-C-T. GRCh37 (hg19) VCF-style: chr2-169801277-C-T.
Identifiers: ClinVar variation 2694754 (VCV002694754.3), dbSNP rs2545298994, ClinGen allele CA349127184.

ClinVar aggregate classification (germline): Likely pathogenic (1 of 4 stars; one submission).

Submission:

Labcorp Genetics (formerly Invitae), Labcorp
Classification: Likely pathogenic. Last evaluated: 2023-06-06. Review status: criteria provided, single submitter. Criteria: Invitae Variant Classification Sherloc (09022015). Collection method: clinical testing. Allele origin: germline.
Comment: Algorithms developed to predict the effect of sequence changes on RNA splicing suggest that this variant may disrupt the consensus splice site. In summary, the currently available evidence indicates that the variant is pathogenic, but additional data are needed to prove that conclusively. Therefore, this variant has been classified as Likely Pathogenic. This variant has not been reported in the literature in individuals affected with ABCB11-related conditions. This sequence change affects an acceptor splice site in intron 20 of the ABCB11 gene. It is expected to disrupt RNA splicing. Variants that disrupt the donor or acceptor splice site typically lead to a loss of protein function (PMID: 16199547), and loss-of-function variants in ABCB11 are known to be pathogenic (PMID: 18395098, 20232290). This variant is not present in population databases (gnomAD no frequency).

Literature cited by the submitters: PubMed 16199547; PubMed 18395098; PubMed 20232290.